The following is an entry in ClinVar:

NM_022367.4(SEMA4A):c.2219A>G (p.Lys740Arg)

Gene: SEMA4A (semaphorin 4A; plus strand). Cytogenetic location: 1q22.
Variant type: single nucleotide variant.
Coding change: c.2219A>G on transcript NM_022367.4 (MANE Select); coding-DNA position 2219, A replaced by G.
Protein change: p.Lys740Arg; replaces lysine 740 with arginine.
Molecular consequence: missense variant.
Genome position (GRCh38, 1-based): chr1:156,176,930, A>G. VCF-style: chr1-156176930-A-G. GRCh37 (hg19) VCF-style: chr1-156146721-A-G.
Other names: c.2219A>G, p.Lys740Arg (NM_001193300.2, NM_001193301.2, NM_001370567.1); c.1823A>G, p.Lys608Arg (NM_001193302.2); c.1922A>G, p.Lys641Arg (NM_001370568.1); c.1712A>G, p.Lys571Arg (NM_001370569.1, NM_001370571.1); short protein forms K641R, K608R, K571R, K740R.
Identifiers: ClinVar variation 945338 (VCV000945338.10), dbSNP rs549265221, ClinGen allele CA1155551.
Genomic context (GRCh38, chr1:156,176,930, plus strand): 5'-AGACCCTGCGCCCTGGGGAGAAGGCCCCGTTAAGCAGAGAGCAACACCTCCAGTCTCCCA[A>G]GGAATGCAGGACCTCTGCCAGTGATGTGGACGCTGACAACAACTGCCTAGGCACTGAGGT-3'
Protein context (NP_071762.2, residues 730-750): LSREQHLQSP[Lys740Arg]ECRTSASDVD

ClinVar aggregate classification (germline): Uncertain significance. Review status: criteria provided, multiple submitters, no conflicts (2 of 4 stars). 3 submissions from 3 submitters: Uncertain significance (3). Last evaluated 2024-11-22.

Allele frequency attached by ClinVar (database versions not stated): gnomAD 0.00001 and 0.00003; TOPMed 0.00001; gnomAD exomes 0.00002 and 0.00005; ExAC 0.00008; 1000 Genomes Project 0.00020; 1000 Genomes Project 30x 0.00031.
gnomAD v4.1: 40 of 1,614,142 alleles (0.0025%); highest among the groups gnomAD compares: Middle Eastern, 0.033%; no homozygotes.

Submissions (3):

Labcorp Genetics (formerly Invitae), Labcorp
Classification: Uncertain significance. Last evaluated: 2024-11-22. Review status: criteria provided, single submitter. Criteria: Invitae Variant Classification Sherloc (09022015). Collection method: clinical testing. Allele origin: germline.
Comment: This sequence change replaces lysine, which is basic and polar, with arginine, which is basic and polar, at codon 740 of the SEMA4A protein (p.Lys740Arg). This variant is present in population databases (rs549265221, gnomAD 0.02%). This variant has not been reported in the literature in individuals affected with SEMA4A-related conditions. ClinVar contains an entry for this variant (Variation ID: 945338). An algorithm developed to predict the effect of missense changes on protein structure and function (PolyPhen-2) suggests that this variant is likely to be disruptive. In summary, the available evidence is currently insufficient to determine the role of this variant in disease. Therefore, it has been classified as a Variant of Uncertain Significance.

Blueprint Genetics
Classification: Uncertain significance. Last evaluated: 2024-05-10. Review status: criteria provided, single submitter. Criteria: ACMG Guidelines, 2015. Collection method: clinical testing. Allele origin: germline.

Ambry Genetics
Classification: Uncertain significance. Last evaluated: 2024-04-09. Review status: criteria provided, single submitter. Criteria: Ambry Variant Classification Scheme 2023. Collection method: clinical testing. Allele origin: germline.